The following is an entry in ClinVar:

NM_139321.3(ATRN):c.2950+3A>G

Gene: ATRN (attractin; plus strand). Cytogenetic location: 20p13.
Variant type: single nucleotide variant.
Coding change: c.2950+3A>G on transcript NM_139321.3 (MANE Select); 3 bases into the intron after coding-DNA position 2950, A replaced by G.
Molecular consequence: intron variant.
Genome position (GRCh38, 1-based): chr20:3,584,086, A>G. VCF-style: chr20-3584086-A-G. GRCh37 (hg19) VCF-style: chr20-3564733-A-G.
Other names: c.2950+3A>G (NM_001323332.2, NM_139322.4); c.2602+3A>G (NM_001207047.3).
Identifiers: ClinVar variation 2152123 (VCV002152123.4), dbSNP rs192708876, ClinGen allele CA9744379.

ClinVar aggregate classification (germline): Uncertain significance (1 of 4 stars; one submission).

Allele frequency attached by ClinVar (database versions not stated): gnomAD exomes 0.00004; ExAC 0.00008; gnomAD 0.00012; TOPMed 0.00015; 1000 Genomes Project 30x 0.00125; 1000 Genomes Project 0.00140.
gnomAD v4.1: 80 of 1,613,130 alleles (0.005%); highest among the groups gnomAD compares: African/African-American, 0.084%; 1 homozygote.

Submission:

Labcorp Genetics (formerly Invitae), Labcorp
Classification: Uncertain significance. Last evaluated: 2024-10-15. Review status: criteria provided, single submitter. Criteria: Invitae Variant Classification Sherloc (09022015). Collection method: clinical testing. Allele origin: germline.
Comment: This sequence change falls in intron 17 of the ATRN gene. It does not directly change the encoded amino acid sequence of the ATRN protein. It affects a nucleotide within the consensus splice site. This variant is present in population databases (rs192708876, gnomAD 0.05%). This variant has not been reported in the literature in individuals affected with ATRN-related conditions. ClinVar contains an entry for this variant (Variation ID: 2152123). Variants that disrupt the consensus splice site are a relatively common cause of aberrant splicing (PMID: 17576681, 9536098). Algorithms developed to predict the effect of sequence changes on RNA splicing suggest that this variant is not likely to affect RNA splicing. In summary, the available evidence is currently insufficient to determine the role of this variant in disease. Therefore, it has been classified as a Variant of Uncertain Significance.

Literature cited by the submitters: PubMed 17576681; PubMed 9536098.